The following is an entry in ClinVar:

ClinVar aggregate classification (germline): Uncertain significance (1 of 4 stars; one submission).

Allele frequency attached by ClinVar (database versions not stated): gnomAD 0.00003; gnomAD exomes 0.00003 and 0.00018; TOPMed 0.00004; ExAC 0.00021.
gnomAD v4.1: 49 of 1,606,950 alleles (0.003%); highest among the groups gnomAD compares: Admixed American, 0.082%; no homozygotes.

Submission:

Labcorp Genetics (formerly Invitae), Labcorp
Classification: Uncertain significance. Last evaluated: 2025-12-30. Review status: criteria provided, single submitter. Criteria: Invitae Variant Classification Sherloc (09022015). Collection method: clinical testing. Allele origin: germline.
Comment: This sequence change replaces isoleucine, which is neutral and non-polar, with valine, which is neutral and non-polar, at codon 41 of the IL12RB2 protein (p.Ile41Val). This variant is present in population databases (rs750730739, gnomAD 0.1%), and has an allele count higher than expected for a pathogenic variant. This variant has not been reported in the literature in individuals affected with IL12RB2-related conditions. ClinVar contains an entry for this variant (Variation ID: 1394587). An algorithm developed to predict the effect of missense changes on protein structure and function outputs the following: PolyPhen-2: "Benign". The valine amino acid residue is found in multiple mammalian species, which suggests that this missense change does not adversely affect protein function. In summary, the available evidence is currently insufficient to determine the role of this variant in disease. Therefore, it has been classified as a Variant of Uncertain Significance.

NM_001374259.2(IL12RB2):c.121A>G (p.Ile41Val)

Gene: IL12RB2 (interleukin 12 receptor subunit beta 2; plus strand). Cytogenetic location: 1p31.3.
Variant type: single nucleotide variant.
Coding change: c.121A>G on transcript NM_001374259.2 (MANE Select); coding-DNA position 121, A replaced by G.
Protein change: p.Ile41Val; replaces isoleucine 41 with valine.
Molecular consequence: missense variant. On other transcripts: non-coding transcript variant (2).
Genome position (GRCh38, 1-based): chr1:67,321,646, A>G. VCF-style: chr1-67321646-A-G. GRCh37 (hg19) VCF-style: chr1-67787329-A-G.
Other names: c.121A>G, p.Ile41Val (NM_001258214.1, NM_001258215.1, NM_001258216.1 and 2 more transcripts); short protein forms I41V.
Identifiers: ClinVar variation 1394587 (VCV001394587.6), dbSNP rs750730739, ClinGen allele CA900121.